The following is an entry in ClinVar:

ClinVar aggregate classification (germline): Uncertain significance. Review status: criteria provided, multiple submitters, no conflicts (2 of 4 stars). 4 submissions from 4 submitters: Uncertain significance (4). Last evaluated 2025-06-14.

Conditions:
Familial meningioma. Also called: Meningioma, familial, susceptibility to. Identifiers: Orphanet 263662, MedGen C3551915, MONDO:0011789, OMIM 607174.
Hereditary cancer-predisposing syndrome. Also called: Neoplastic Syndromes, Hereditary; Tumor predisposition; Hereditary Cancer Syndrome; Hereditary neoplastic syndrome. Identifiers: Orphanet 140162, MedGen C0027672, MeSH D009386, MONDO:0015356.
Neurofibromatosis, type 2 (SWNV). Also called: BILATERAL ACOUSTIC NEUROFIBROMATOSIS; SCHWANNOMATOSIS, VESTIBULAR; NF2-Related Schwannomatosis. Identifiers: Orphanet 637, MedGen C0027832, MONDO:0007039, OMIM 101000. Disease mechanism: loss of function.

Allele frequency attached by ClinVar (database versions not stated): TOPMed 0.00002.
gnomAD v4.1: 1 of 1,593,252 alleles (0.000063%); highest among the groups gnomAD compares: East Asian, 0.0023%; no homozygotes.

Submissions (4):

Ambry Genetics
Classification: Uncertain significance for Hereditary cancer-predisposing syndrome. Last evaluated: 2025-06-14. Review status: criteria provided, single submitter. Criteria: Ambry Variant Classification Scheme 2023. Collection method: clinical testing. Allele origin: germline.
Comment: The c.114+4A>G intronic variant results from an A to G substitution 4 nucleotides after coding exon 1 in the NF2 gene. This nucleotide position is well conserved in available vertebrate species. In silico splice site analysis for this alteration is inconclusive. Based on the available evidence, the clinical significance of this variant remains unclear.

Labcorp Genetics (formerly Invitae), Labcorp
Classification: Uncertain significance for Neurofibromatosis, type 2. Last evaluated: 2023-07-08. Review status: criteria provided, single submitter. Criteria: Invitae Variant Classification Sherloc (09022015). Collection method: clinical testing. Allele origin: germline.
Comment: This sequence change falls in intron 1 of the NF2 gene. It does not directly change the encoded amino acid sequence of the NF2 protein. It affects a nucleotide within the consensus splice site. The frequency data for this variant in the population databases is considered unreliable, as metrics indicate poor data quality at this position in the gnomAD database. This variant has not been reported in the literature in individuals affected with NF2-related conditions. ClinVar contains an entry for this variant (Variation ID: 943289). Variants that disrupt the consensus splice site are a relatively common cause of aberrant splicing (PMID: 17576681, 9536098). Studies have shown that this variant is associated with altered splicing resulting in unknown protein product impact (Invitae). In summary, the available evidence is currently insufficient to determine the role of this variant in disease. Therefore, it has been classified as a Variant of Uncertain Significance.

Baylor Genetics
Classification: Uncertain significance for Familial meningioma. Last evaluated: 2023-05-05. Review status: criteria provided, single submitter. Criteria: ACMG Guidelines, 2015. Collection method: clinical testing. Allele origin: unknown.

GeneDx
Classification: Uncertain significance. Last evaluated: 2022-08-16. Review status: criteria provided, single submitter. Criteria: GeneDx Variant Classification Process June 2021. Collection method: clinical testing. Allele origin: germline. Affected: yes.
Comment: In silico analysis suggests this variant may impact gene splicing. In the absence of RNA/functional studies, the actual effect of this sequence change is unknown.; Has not been previously published as pathogenic or benign to our knowledge

Literature cited by the submitters: PubMed 17576681 (cited by Labcorp Genetics (formerly Invitae), Labcorp); PubMed 9536098 (cited by Labcorp Genetics (formerly Invitae), Labcorp).

NM_000268.4(NF2):c.114+4A>G

Gene: NF2 (NF2, moesin-ezrin-radixin like (MERLIN) tumor suppressor; plus strand). Cytogenetic location: 22q12.2.
Variant type: single nucleotide variant.
Coding change: c.114+4A>G on transcript NM_000268.4 (MANE Select); 4 bases into the intron after coding-DNA position 114, A replaced by G.
Molecular consequence: intron variant.
Genome position (GRCh38, 1-based): chr22:29,604,116, A>G. VCF-style: chr22-29604116-A-G. GRCh37 (hg19) VCF-style: chr22-30000105-A-G.
Other names: c.114+4A>G (NM_016418.5, NM_181832.3, NM_181833.3 and 5 more transcripts).
Identifiers: ClinVar variation 943289 (VCV000943289.10), dbSNP rs1207246677, ClinGen allele CA638989392.